The following is an entry in ClinVar:

NM_001267550.2(TTN):c.47137_47138del (p.Ser15713fs)

Genes: TTN (titin; minus strand), TTN-AS1 (TTN antisense RNA 1; plus strand). Cytogenetic location: 2q31.2.
Variant type: Microsatellite.
Coding change: c.47137_47138del on transcript NM_001267550.2 (MANE Select); coding-DNA positions 47137 to 47138, 2 bases deleted (AG; older notation c.47137_47138delAG).
Protein change: p.Ser15713fs; shifts the reading frame from serine 15713.
Molecular consequence: frameshift variant.
Genome position (GRCh38, 1-based): chr2:178,618,320-178,618,321, CT deleted on the plus strand (AG on the coding strand, the reverse complement: TTN is on the minus strand); deleting any 2 consecutive bases within chr2:178,618,320-178,618,325 gives the same sequence; the c. name uses the placement nearest the transcript's 3' end. VCF-style (leftmost placement, unchanged base first): chr2-178618319-ACT-A. GRCh37 (hg19) VCF-style: chr2-179483046-ACT-A.
Other names: p.Ser14072Leufs*2; c.42214_42215delAG (NM_001256850.1); c.19942_19943delAG (NM_003319.4); c.42214_42215del, p.Ser14072fs (NM_001256850.1); c.19942_19943del, p.Ser6648fs (NM_003319.4); c.39433_39434del, p.Ser13145fs (NM_133378.4); c.20317_20318del, p.Ser6773fs (NM_133432.3); c.20518_20519del, p.Ser6840fs (NM_133437.4); and 2 more; short protein forms S15713fs, S13145fs, S14072fs, S6773fs, S6648fs, S6840fs.
Identifiers: ClinVar variation 264325 (VCV000264325.21), dbSNP rs886039125, ClinGen allele CA10587503.
Genomic context (GRCh38, chr2:178,618,319, plus strand): 5'-ACTCACACGGAATAGGTACTCAACTCCTCCTTTCTGTAGACCAGTGACAGTAAACTCACA[ACT>A]CTCTGCACGGTCTGTGGCCAGAACCCAGGTCTTTCTCTTAATGTCACGTCTTTCAACAAC-3'

ClinVar aggregate classification (germline): Pathogenic/Likely pathogenic. Review status: criteria provided, multiple submitters, no conflicts (2 of 4 stars). 6 submissions from 6 submitters: Pathogenic (4); Likely pathogenic (2). Last evaluated 2026-03-29.

Conditions:
TTN-related disorder. Also called: TTN-related condition; TTN-related disease; TTN-related disorders.
Cardiovascular phenotype. Identifiers: MedGen CN230736.
Autosomal recessive limb-girdle muscular dystrophy type 2J (LGMDR10). Also called: Limb-girdle muscular dystrophy, type 2J; MUSCULAR DYSTROPHY, LIMB-GIRDLE, AUTOSOMAL RECESSIVE 10. Identifiers: Orphanet 140922, MedGen C1837342, MONDO:0012127, OMIM 608807.
Dilated cardiomyopathy 1G (CMD1G). Identifiers: Orphanet 154, MedGen C1858763, MONDO:0011400, OMIM 604145.

Submissions (6):

Victorian Clinical Genetics Services, Murdoch Childrens Research Institute
Classification: Pathogenic for Dilated cardiomyopathy 1G. Last evaluated: 2026-03-29. Review status: criteria provided, single submitter. Criteria: ACMG Guidelines, 2015. Collection method: clinical testing. Allele origin: germline. Affected: no.
Comment: This variant is classified as Pathogenic. Evidence in support of pathogenic classification: Variant is predicted to cause nonsense-mediated decay (NMD) and loss of protein (premature termination codon is located at least 54 nucleotides upstream of the final exon-exon junction); Variant is absent from gnomAD (v2, v3 and v4); This variant has strong previous evidence of pathogenicity in unrelated individuals. This variant has been classified as pathogenic by clinical laboratories in ClinVar, and reported in the literature in individuals with dilated cardiomyopathy (PMID: 32880476, PMID: 31983221); Other NMD-predicted variant(s) comparable to the one identified in this case have strong previous evidence for pathogenicity (ClinVar). Additional information: This variant is heterozygous; This gene is associated with both recessive and dominant disease (OMIM); Variant is located in the annotated A-band and the exon has a PSI score of 100% (PMID: 25589632); Loss of function is a known mechanism of disease in this gene. In addition, dominant negative is also a suggested mechanism. (PMID: 25589632); The condition associated with this gene has incomplete penetrance. Variants in this gene that result in a premature termination codon (PTC) are known to have reduced penetrance in DCM (PMID: 25589632); Inheritance information for this variant is not currently available in this individual.

GeneDx
Classification: Likely pathogenic. Last evaluated: 2025-10-26. Review status: criteria provided, single submitter. Criteria: GeneDx Variant Classification Process June 2021. Collection method: clinical testing. Allele origin: germline. Affected: yes.
Comment: Identified in patients with DCM in published literature (PMID: 29540472, 31983221, 32880476, 35653365); Frameshift variant predicted to result in protein truncation or nonsense mediated decay in a gene for which loss of function is a known mechanism of disease; Located in the A-band, a region of TTN for which truncating variants are significantly associated with autosomal dominant cardiomyopathy and also with autosomal recessive skeletal myopathies (PMID: 22335739, 32778822); Not observed at significant frequency in large population cohorts (gnomAD); This variant is associated with the following publications: (PMID: 29540472, 31983221, 35653365, 32880476, 22335739, 32778822)

Labcorp Genetics (formerly Invitae), Labcorp
Classification: Pathogenic for Dilated cardiomyopathy 1G; Autosomal recessive limb-girdle muscular dystrophy type 2J. Last evaluated: 2025-06-06. Review status: criteria provided, single submitter. Criteria: Invitae Variant Classification Sherloc (09022015). Collection method: clinical testing. Allele origin: germline.
Comment: This sequence change creates a premature translational stop signal (p.Ser15713Leufs*2) in the TTN gene. While this is not anticipated to result in nonsense mediated decay, it is expected to create a truncated TTN protein. This variant is not present in population databases (gnomAD no frequency). This premature translational stop signal has been observed in individuals with dilated cardiomyopathy (PMID: 29540472, 31983221; internal data). ClinVar contains an entry for this variant (Variation ID: 264325). This variant is located in the A band of TTN (PMID: 25589632). Truncating variants in this region are significantly overrepresented in patients affected with dilated cardiomyopathy (PMID: 25589632). Truncating variants in this region have also been reported in individuals affected with autosomal recessive centronuclear myopathy (PMID: 23975875). For these reasons, this variant has been classified as Pathogenic.

Ambry Genetics
Classification: Pathogenic for Cardiovascular phenotype. Last evaluated: 2023-12-19. Review status: criteria provided, single submitter. Criteria: Ambry Variant Classification Scheme 2023. Collection method: clinical testing. Allele origin: germline.
Comment: The c.19942_19943delAG pathogenic mutation, located in coding exon 79 of the TTN gene, results from a deletion of two nucleotides between nucleotide positions 19942 and 19943, causing a translational frameshift with a predicted alternate stop codon (p.S6648Lfs*2). This alteration is located in the A-band region of the N2-B isoform of the titin protein and is constitutively expressed in TTN transcripts (percent spliced in or PSI 100%). This variant (also referred to as NM_001267550:c.47137_47138delAG, p.Ser15713Leufs*2) has been detected in individuals from dilated cardiomyopathy (DCM) cohorts or who were reported to have DCM (Hazebroek MR et al. Circ Heart Fail. 2018 Mar;11(3):e004682; Mazzarotto F et al. Circulation. 2020 Feb;141(5):387-398; external communication). This variant is considered to be rare based on population cohorts in the Genome Aggregation Database (gnomAD). This alteration is expected to result in loss of function by premature protein truncation or nonsense-mediated mRNA decay. While truncating variants in TTN are present in 1-3% of the general population, truncating variants in the A-band are the most common cause of DCM and TTN truncating variants encoded in constitutive exons (PSI >90%) have been found to be significantly associated with DCM regardless of their position in titin (Herman DS et al. N. Engl. J. Med., 2012 Feb;366:619-28; Roberts AM et al. Sci Transl Med, 2015 Jan;7:270ra6; Schafer S et al. Nat. Genet., 2017 01;49:46-53). Based on the supporting evidence, this alteration is interpreted as a disease-causing mutation.

Mayo Clinic Laboratories, Mayo Clinic
Classification: Pathogenic. Last evaluated: 2023-08-25. Review status: criteria provided, single submitter. Criteria: ACMG Guidelines, 2015. Collection method: clinical testing. Allele origin: germline. Observed: 1 variant allele.
Comment: PM2, PS4_moderate, PVS1

Blueprint Genetics
Classification: Likely pathogenic for TTN-related disorders. Last evaluated: 2023-04-04. Review status: criteria provided, single submitter. Criteria: ACMG Guidelines, 2015. Collection method: clinical testing. Allele origin: germline. Affected: yes. Observed: 1 variant allele.

Literature cited by the submitters: PubMed 31983221 (cited by 4 submitters); PubMed 32880476 (cited by Victorian Clinical Genetics Services, Murdoch Childrens Research Institute and Mayo Clinic Laboratories, Mayo Clinic); PubMed 25589632 (cited by Victorian Clinical Genetics Services, Murdoch Childrens Research Institute and Labcorp Genetics (formerly Invitae), Labcorp); PubMed 29540472 (cited by 3 submitters); PubMed 23975875 (cited by Labcorp Genetics (formerly Invitae), Labcorp); PubMed 35653365 (cited by Mayo Clinic Laboratories, Mayo Clinic).